The following is an entry in ClinVar:

NM_001358530.2(MOCS1):c.161C>T (p.Ala54Val)

Gene: MOCS1 (molybdenum cofactor synthesis 1; minus strand). Cytogenetic location: 6p21.2.
Variant type: single nucleotide variant.
Coding change: c.161C>T on transcript NM_001358530.2 (MANE Select); coding-DNA position 161, C replaced by T.
Protein change: p.Ala54Val; replaces alanine 54 with valine.
Molecular consequence: missense variant. On other transcripts: 5 prime UTR variant (1), intron variant (2).
Genome position (GRCh38, 1-based): chr6:39,927,418, G>A on the plus strand (C>T on the coding strand, the complement: MOCS1 is on the minus strand). VCF-style: chr6-39927418-G-A. GRCh37 (hg19) VCF-style: chr6-39895157-G-A.
Other names: c.161C>T, p.Ala54Val (NM_001075098.4, NM_001358529.2, NM_005943.6); c.-101C>T (NM_001358534.2); c.-11-1573C>T (NM_001358531.2, NM_001358533.2); short protein forms A54V.
Identifiers: ClinVar variation 1491859 (VCV001491859.5), dbSNP rs374766990, ClinGen allele CA3796423.
Genomic context (GRCh38, chr6:39,927,418, plus strand): 5'-ATCCGCAGGTAGCTGTGCTGCCGGCCGAAGCTGTCTGTGAGGAAGGCGGAGAAGGGGGCC[G>A]CATGCTCCCGCAGGAACTGCCTCCGCCTGGACACCTCCTGCGAGGACAGACCAGGGAGGA-3'
Protein context (NP_001345459.1, residues 44-64): SRRRQFLREH[Ala54Val]APFSAFLTDS

ClinVar aggregate classification (germline): Uncertain significance (1 of 4 stars; one submission).

Conditions:
Sulfite oxidase deficiency due to molybdenum cofactor deficiency type A. Also called: Molybdenum Cofactor Deficiency A; Molybdenum cofactor deficiency, complementation group A. Identifiers: Orphanet 308386, Orphanet 833, MedGen C1854988, MONDO:0009643, OMIM 252150.

Allele frequency attached by ClinVar (database versions not stated): gnomAD 0.00001 and 0.00002; TOPMed 0.00002; gnomAD exomes 0.00003; ExAC 0.00005; ESP Exome Variant Server 0.00008; 1000 Genomes Project 30x 0.00016; 1000 Genomes Project 0.00020.
gnomAD v4.1: 35 of 1,612,080 alleles (0.0022%); highest among the groups gnomAD compares: Middle Eastern, 0.017%; no homozygotes.

Submission:

Labcorp Genetics (formerly Invitae), Labcorp
Classification: Uncertain significance for Sulfite oxidase deficiency due to molybdenum cofactor deficiency type A. Last evaluated: 2022-10-24. Review status: criteria provided, single submitter. Criteria: Invitae Variant Classification Sherloc (09022015). Collection method: clinical testing. Allele origin: germline.
Comment: This sequence change replaces alanine, which is neutral and non-polar, with valine, which is neutral and non-polar, at codon 54 of the MOCS1 protein (p.Ala54Val). This variant is present in population databases (rs374766990, gnomAD 0.01%). This variant has not been reported in the literature in individuals affected with MOCS1-related conditions. ClinVar contains an entry for this variant (Variation ID: 1491859). Algorithms developed to predict the effect of missense changes on protein structure and function output the following: SIFT: "Tolerated"; PolyPhen-2: "Benign"; Align-GVGD: "Class C0". The valine amino acid residue is found in multiple mammalian species, which suggests that this missense change does not adversely affect protein function. In summary, the available evidence is currently insufficient to determine the role of this variant in disease. Therefore, it has been classified as a Variant of Uncertain Significance.